The following is an entry in ClinVar:

NM_032043.3(BRIP1):c.920G>C (p.Gly307Ala)

Gene: BRIP1 (BRCA1 interacting DNA helicase 1; minus strand). Cytogenetic location: 17q23.2.
Variant type: single nucleotide variant.
Coding change: c.920G>C on transcript NM_032043.3 (MANE Select); coding-DNA position 920, G replaced by C.
Protein change: p.Gly307Ala; replaces glycine 307 with alanine.
Molecular consequence: missense variant.
Genome position (GRCh38, 1-based): chr17:61,801,473, C>G on the plus strand (G>C on the coding strand, the complement: BRIP1 is on the minus strand). VCF-style: chr17-61801473-C-G. GRCh37 (hg19) VCF-style: chr17-59878834-C-G.
Other names: short protein forms G307A.
Identifiers: ClinVar variation 949302 (VCV000949302.10), dbSNP rs1603343427, ClinGen allele CA400484328.
Genomic context (GRCh38, chr17:61,801,473, plus strand): 5'-GTCTGTAATGTGTGCTGATCACTAATTTTATGAACTCCATGATAAAAATAGCAGGATTTT[C>G]CCTAGAAACAAATATGCATAACTGAAATGTGAACCAATATTAGCATAGAAGGAATAAAAT-3'
Protein context (NP_114432.2, residues 297-317): KCMELLDGKN[Gly307Ala]KSCYFYHGVH

ClinVar aggregate classification (germline): Uncertain significance (1 of 4 stars; one submission).

Conditions:
Familial cancer of breast. Also called: Hereditary breast cancer; hereditary breast carcinoma; BREAST CANCER, FAMILIAL. Identifiers: Orphanet 227535, MedGen C0346153, MONDO:0016419, OMIM 114480. Disease mechanism: loss of function.
Fanconi anemia complementation group J. Also called: BRIP1-Related Fanconi Anemia. Identifiers: Orphanet 84, MedGen C1836860, MONDO:0012187, OMIM 609054.

Submission:

Labcorp Genetics (formerly Invitae), Labcorp
Classification: Uncertain significance for Familial cancer of breast; Fanconi anemia complementation group J. Last evaluated: 2025-07-14. Review status: criteria provided, single submitter. Criteria: Invitae Variant Classification Sherloc (09022015). Collection method: clinical testing. Allele origin: germline.
Comment: This sequence change replaces glycine, which is neutral and non-polar, with alanine, which is neutral and non-polar, at codon 307 of the BRIP1 protein (p.Gly307Ala). This variant is not present in population databases (gnomAD no frequency). This variant has not been reported in the literature in individuals affected with BRIP1-related conditions. ClinVar contains an entry for this variant (Variation ID: 949302). Invitae Evidence Modeling of protein sequence and biophysical properties (such as structural, functional, and spatial information, amino acid conservation, physicochemical variation, residue mobility, and thermodynamic stability) has been performed for this missense variant. However, the output from this modeling did not meet the statistical confidence thresholds required to predict the impact of this variant on BRIP1 protein function. In summary, the available evidence is currently insufficient to determine the role of this variant in disease. Therefore, it has been classified as a Variant of Uncertain Significance.